The following is an entry in ClinVar:

ClinVar aggregate classification (germline): Benign/Likely benign. Review status: criteria provided, multiple submitters, no conflicts (2 of 4 stars). 3 submissions from 3 submitters: Benign (1); Likely benign (2). Last evaluated 2025-05-05.

Conditions:
Hereditary cancer-predisposing syndrome. Also called: Hereditary neoplastic syndrome; Neoplastic Syndromes, Hereditary; Tumor predisposition; Hereditary Cancer Syndrome. Identifiers: Orphanet 140162, MedGen C0027672, MeSH D009386, MONDO:0015356.
Oligodontia-cancer predisposition syndrome. Also called: TOOTH AGENESIS-COLORECTAL CANCER SYNDROME. Identifiers: Orphanet 300576, MedGen C1837750, MONDO:0012075, OMIM 608615. Disease mechanism: loss of function.

Submissions (3):

Ambry Genetics
Classification: Likely benign for Hereditary cancer-predisposing syndrome. Last evaluated: 2025-05-05. Review status: criteria provided, single submitter. Criteria: Ambry Variant Classification Scheme 2023. Collection method: clinical testing. Allele origin: germline.

Myriad Genetics, Inc.
Classification: Benign for Oligodontia-cancer predisposition syndrome. Last evaluated: 2024-06-26. Review status: criteria provided, single submitter. Criteria: Myriad Autosomal Dominant, Autosomal Recessive and X-Linked Classification Criteria (2023). Collection method: clinical testing. Allele origin: unknown.
Comment: This variant is considered benign. This variant is a silent/synonymous amino acid change and it is not expected to impact splicing.

Labcorp Genetics (formerly Invitae), Labcorp
Classification: Likely benign for Oligodontia-cancer predisposition syndrome. Last evaluated: 2024-03-02. Review status: criteria provided, single submitter. Criteria: Invitae Variant Classification Sherloc (09022015). Collection method: clinical testing. Allele origin: germline.

NM_004655.4(AXIN2):c.342C>T (p.Cys114=)

Gene: AXIN2 (axin 2; minus strand). Cytogenetic location: 17q24.1.
Variant type: single nucleotide variant.
Coding change: c.342C>T on transcript NM_004655.4 (MANE Select); coding-DNA position 342, C replaced by T.
Protein change: p.Cys114=; no amino-acid change (cysteine 114 retained).
Molecular consequence: synonymous variant.
Genome position (GRCh38, 1-based): chr17:65,558,279, G>A on the plus strand (C>T on the coding strand, the complement: AXIN2 is on the minus strand). VCF-style: chr17-65558279-G-A. GRCh37 (hg19) VCF-style: chr17-63554397-G-A.
Other names: c.342C>T, p.Cys114= (NM_001363813.1); c.342C>T (LRG_296t1).
Identifiers: ClinVar variation 533272 (VCV000533272.10), dbSNP rs1555583523, ClinGen allele CA501691901.